The following is an entry in ClinVar:

NM_004252.5(NHERF1):c.902A>T (p.Asp301Val)

Gene: NHERF1 (NHERF family PDZ scaffold protein 1; plus strand). Cytogenetic location: 17q25.1.
Variant type: single nucleotide variant.
Coding change: c.902A>T on transcript NM_004252.5 (MANE Select); coding-DNA position 902, A replaced by T.
Protein change: p.Asp301Val; replaces aspartic acid 301 with valine.
Molecular consequence: missense variant.
Genome position (GRCh38, 1-based): chr17:74,768,481, A>T. VCF-style: chr17-74768481-A-T. GRCh37 (hg19) VCF-style: chr17-72764620-A-T.
Other names: c.902A>T (NM_004252.4); short protein forms D301V.
Identifiers: ClinVar variation 1092051 (VCV001092051.36), dbSNP rs141613848, ClinGen allele CA8750824.

ClinVar aggregate classification (germline): Conflicting classifications of pathogenicity. Review status: criteria provided, conflicting classifications (1 of 4 stars). 5 submissions from 5 submitters: Uncertain significance (1); Benign (1); Likely benign (2). 1 of the submissions does not count toward it. Last evaluated 2025-12-30.

Conditions:
NHERF1-related disorder. Also called: NHERF1-related condition.
Hypophosphatemic nephrolithiasis/osteoporosis 2. Identifiers: Orphanet 244305, MedGen C2676782, MONDO:0012851, OMIM 612287.

Allele frequency attached by ClinVar (database versions not stated): 1000 Genomes Project 0.00040; 1000 Genomes Project 30x 0.00047; gnomAD exomes 0.00101 and 0.00108; ExAC 0.00110; gnomAD 0.00123 and 0.00124; ESP Exome Variant Server 0.00161.
gnomAD v4.1: 1,781 of 1,613,948 alleles (0.11%); highest among the groups gnomAD compares: South Asian, 0.21%; 4 homozygotes.

Submissions (5):

Labcorp Genetics (formerly Invitae), Labcorp
Classification: Likely benign. Last evaluated: 2025-12-30. Review status: criteria provided, single submitter. Criteria: Invitae Variant Classification Sherloc (09022015). Collection method: clinical testing. Allele origin: germline.

Rare Kidney Stone Consortium and the Mayo Clinic Hyperoxaluria Center, Mayo Clinic
Classification: Uncertain significance for Hypophosphatemic nephrolithiasis/osteoporosis 2. Last evaluated: 2025-10-03. Review status: criteria provided, single submitter. Criteria: ACMG Guidelines, 2015. Collection method: research. Allele origin: germline. Affected: yes. Observed: 1 variant allele.

Blueprint Genetics
Classification: Likely benign. Last evaluated: 2024-11-26. Review status: criteria provided, single submitter. Criteria: ACMG Guidelines, 2015. Collection method: clinical testing. Allele origin: germline.

CeGaT Center for Human Genetics Tuebingen
Classification: Benign. Last evaluated: 2023-06-01. Review status: criteria provided, single submitter. Criteria: CeGaT Center For Human Genetics Tuebingen Variant Classification Criteria Version 2. Collection method: clinical testing. Allele origin: germline. Affected: yes. Observed: 4 variant alleles.
Comment: NHERF1: BP4, BS1, BS2

PreventionGenetics, part of Exact Sciences
Classification: Likely benign for NHERF1-related condition. Last evaluated: 2022-11-09. Review status: no assertion criteria provided. Collection method: clinical testing. Allele origin: germline. Not counted in ClinVar's aggregate classification.
Comment: This variant is classified as likely benign based on ACMG/AMP sequence variant interpretation guidelines (Richards et al. 2015 PMID: 25741868, with internal and published modifications).

Literature cited by the submitters: PubMed 40794449 (cited by Rare Kidney Stone Consortium and the Mayo Clinic Hyperoxaluria Center, Mayo Clinic).